The following is an entry in ClinVar:

NM_001252102.2(KIF21B):c.4815-539G>A

Gene: KIF21B (kinesin family member 21B; minus strand). Cytogenetic location: 1q32.1.
Variant type: single nucleotide variant.
Coding change: c.4815-539G>A on transcript NM_001252102.2 (MANE Select); 539 bases into the intron before coding-DNA position 4815, G replaced by A.
Molecular consequence: intron variant. On other transcripts: missense variant (2).
Genome position (GRCh38, 1-based): chr1:200,974,117, C>T on the plus strand (G>A on the coding strand, the complement: KIF21B is on the minus strand). VCF-style: chr1-200974117-C-T. GRCh37 (hg19) VCF-style: chr1-200943245-C-T.
Other names: c.4892G>A, p.Gly1631Asp (NM_001252100.2); c.4853G>A, p.Gly1618Asp (NM_017596.4); c.4776-539G>A (NM_001252103.2); short protein forms G1618D, G1631D.
Identifiers: ClinVar variation 4529613 (VCV004529613.1).

ClinVar aggregate classification (germline): Uncertain significance (1 of 4 stars; one submission).

Submission:

GeneDx
Classification: Uncertain significance. Last evaluated: 2025-05-15. Review status: criteria provided, single submitter. Criteria: GeneDx Variant Classification Process June 2021. Collection method: clinical testing. Allele origin: germline. Affected: yes.
Comment: Not observed at significant frequency in large population cohorts (gnomAD); In silico analysis suggests that this missense variant does not alter protein structure/function; Has not been previously published as pathogenic or benign to our knowledge